The following is an entry in ClinVar:

ClinVar aggregate classification (germline): Uncertain significance (1 of 4 stars; one submission).

Conditions:
Inborn genetic diseases. Identifiers: MedGen C0950123, MeSH D030342.

gnomAD v4.1: 3 of 1,597,742 alleles (0.00019%); highest among the groups gnomAD compares: African/African-American, 0.004%; no homozygotes.

Submission:

Ambry Genetics
Classification: Uncertain significance for Inborn genetic diseases. Last evaluated: 2025-03-22. Review status: criteria provided, single submitter. Criteria: Ambry Variant Classification Scheme 2023. Collection method: clinical testing. Allele origin: germline.
Comment: The p.S1437F variant (also known as c.4310C>T), located in coding exon 15 of the FANCM gene, results from a C to T substitution at nucleotide position 4310. The serine at codon 1437 is replaced by phenylalanine, an amino acid with highly dissimilar properties. This amino acid position is conserved. In addition, this alteration is predicted to be tolerated by in silico analysis. Based on the available evidence, the clinical significance of this variant remains unclear.

NM_020937.4(FANCM):c.4310C>T (p.Ser1437Phe)

Gene: FANCM (FA complementation group M; plus strand). Cytogenetic location: 14q21.2.
Variant type: single nucleotide variant.
Coding change: c.4310C>T on transcript NM_020937.4 (MANE Select); coding-DNA position 4310, C replaced by T.
Protein change: p.Ser1437Phe; replaces serine 1437 with phenylalanine.
Molecular consequence: missense variant.
Genome position (GRCh38, 1-based): chr14:45,181,517, C>T. VCF-style: chr14-45181517-C-T. GRCh37 (hg19) VCF-style: chr14-45650720-C-T.
Other names: c.4232C>T, p.Ser1411Phe (NM_001308133.2); short protein forms S1437F, S1411F.
Identifiers: ClinVar variation 4022603 (VCV004022603.1).
Genomic context (GRCh38, chr14:45,181,517, plus strand): 5'-GTGAAGATGACGAGATTTTCCGAAGAAAAGTTAAAAGAGCAAAAGGAAATGTTTTAAACT[C>T]TCCTGAGGTGAGTCATTCAGTAATCACAATAGTATAATCATATCAAAGGCTATTTTCCTT-3'
Protein context (NP_065988.1, residues 1427-1447): VKRAKGNVLN[Ser1437Phe]PEDQKNSEVD